The following is an entry in ClinVar:

ClinVar aggregate classification (germline): Pathogenic (1 of 4 stars; one submission).

Conditions:
Intellectual developmental disorder, autosomal dominant 6, with or without seizures. Also called: GRIN2B-related developmental delay, intellectual disability and autism spectrum disorder; Intellectual disability, autosomal dominant 6. Identifiers: Orphanet 589547, MedGen C3151411, MONDO:0013509, OMIM 613970.

Submission:

Molecular Genetics and NGS Laboratory, Hospital Fundacion Valle Del Lili
Classification: Pathogenic for Intellectual developmental disorder, autosomal dominant 6, with or without seizures. Last evaluated: 2023-11-16. Review status: criteria provided, single submitter. Criteria: ACMG Guidelines, 2015. Collection method: clinical testing. Allele origin: germline. Affected: yes. Observed: 1 variant allele.
Comment: The variant in affected individuals is heterozygous. Their parents are not carriers. In summary, the variant meets our criteria to be classified as likely pathogenic.

NM_000834.5(GRIN2B):c.1201C>T (p.Gln401Ter)

Gene: GRIN2B (glutamate ionotropic receptor NMDA type subunit 2B; minus strand). Cytogenetic location: 12p13.1.
Variant type: single nucleotide variant.
Coding change: c.1201C>T on transcript NM_000834.5 (MANE Select); coding-DNA position 1201, C replaced by T.
Protein change: p.Gln401Ter; replaces glutamine 401 with a stop codon.
Molecular consequence: nonsense.
Genome position (GRCh38, 1-based): chr12:13,616,582, G>A on the plus strand (C>T on the coding strand, the complement: GRIN2B is on the minus strand). VCF-style: chr12-13616582-G-A. GRCh37 (hg19) VCF-style: chr12-13769516-G-A.
Other names: p.Gln401Ter; c.1201C>T, p.Gln401Ter (NM_001413992.1); short protein forms Q401*.
Identifiers: ClinVar variation 2637919 (VCV002637919.2), dbSNP rs1555112376, ClinGen allele CA384052725.
Genomic context (GRCh38, chr12:13,616,582, plus strand): 5'-TTTCCACAATGACAAATGGTGCCTCCTCCAGGGTCACAATGCTCAGATGGTCATCCTCCT[G>A]CTCTTCAGTCTCTGGACACATTCGGGGCCACACATAGTACTTCATCTGCAGGGACTTGTC-3'